The following is an entry in ClinVar:

NM_014780.5(CUL7):c.1913T>G (p.Leu638Arg)

Gene: CUL7 (cullin 7; minus strand). Cytogenetic location: 6p21.1.
Variant type: single nucleotide variant.
Coding change: c.1913T>G on transcript NM_014780.5 (MANE Select); coding-DNA position 1913, T replaced by G.
Protein change: p.Leu638Arg; replaces leucine 638 with arginine.
Molecular consequence: missense variant.
Genome position (GRCh38, 1-based): chr6:43,048,482, A>C on the plus strand (T>G on the coding strand, the complement: CUL7 is on the minus strand). VCF-style: chr6-43048482-A-C. GRCh37 (hg19) VCF-style: chr6-43016220-A-C.
Other names: c.1913T>G (NM_014780.4); c.2009T>G, p.Leu670Arg (NM_001168370.2, NM_001374872.1); c.1913T>G, p.Leu638Arg (NM_001374873.1, NM_001374874.1); short protein forms L670R, L638R.
Identifiers: ClinVar variation 1363624 (VCV001363624.9), dbSNP rs773760638, ClinGen allele CA3814041.

ClinVar aggregate classification (germline): Uncertain significance. Review status: criteria provided, multiple submitters, no conflicts (2 of 4 stars). 2 submissions from 2 submitters: Uncertain significance (2). Last evaluated 2022-06-20.

Conditions:
Inborn genetic diseases. Identifiers: MedGen C0950123, MeSH D030342.

Allele frequency attached by ClinVar (database versions not stated): ExAC 0.00001; gnomAD exomes 0.00002.
gnomAD v4.1: 34 of 1,614,114 alleles (0.0021%); highest among the groups gnomAD compares: Non-Finnish European, 0.0027%; no homozygotes.

Submissions (2):

Labcorp Genetics (formerly Invitae), Labcorp
Classification: Uncertain significance. Last evaluated: 2022-06-20. Review status: criteria provided, single submitter. Criteria: Invitae Variant Classification Sherloc (09022015). Collection method: clinical testing. Allele origin: germline.
Comment: In summary, the available evidence is currently insufficient to determine the role of this variant in disease. Therefore, it has been classified as a Variant of Uncertain Significance. Algorithms developed to predict the effect of missense changes on protein structure and function are either unavailable or do not agree on the potential impact of this missense change (SIFT: "Deleterious"; PolyPhen-2: "Probably Damaging"; Align-GVGD: "Class C0"). This variant has not been reported in the literature in individuals affected with CUL7-related conditions. This variant is present in population databases (rs773760638, gnomAD 0.0009%). This sequence change replaces leucine, which is neutral and non-polar, with arginine, which is basic and polar, at codon 638 of the CUL7 protein (p.Leu638Arg).

Ambry Genetics
Classification: Uncertain significance for Inborn genetic diseases. Last evaluated: 2021-10-22. Review status: criteria provided, single submitter. Criteria: Ambry Variant Classification Scheme 2023. Collection method: clinical testing. Allele origin: germline.